The following is an entry in ClinVar:

NM_001171.6(ABCC6):c.3668G>A (p.Trp1223Ter)

Gene: ABCC6 (ATP binding cassette subfamily C member 6; minus strand). Cytogenetic location: 16p13.11.
Variant type: single nucleotide variant.
Coding change: c.3668G>A on transcript NM_001171.6 (MANE Select); coding-DNA position 3668, G replaced by A.
Protein change: p.Trp1223Ter; replaces tryptophan 1223 with a stop codon.
Molecular consequence: nonsense. On other transcripts: non-coding transcript variant (1).
Genome position (GRCh38, 1-based): chr16:16,159,549, C>T on the plus strand (G>A on the coding strand, the complement: ABCC6 is on the minus strand). VCF-style: chr16-16159549-C-T. GRCh37 (hg19) VCF-style: chr16-16253406-C-T.
Other names: c.3326G>A, p.Trp1109Ter (NM_001351800.1); short protein forms W1223*, W1109*.
Identifiers: ClinVar variation 433321 (VCV000433321.6), dbSNP rs72653745, ClinGen allele CA278628812.

ClinVar aggregate classification (germline): Pathogenic. Review status: criteria provided, single submitter (1 of 4 stars). 2 submissions from 2 submitters: Pathogenic (1). 1 of the submissions does not count toward it. Last evaluated 2022-12-27.

Conditions:
Autosomal recessive inherited pseudoxanthoma elasticum (PXE). Identifiers: Orphanet 758, MedGen CN032334, MONDO:0009925, OMIM 264800.

Submissions (2):

Labcorp Genetics (formerly Invitae), Labcorp
Classification: Pathogenic. Last evaluated: 2022-12-27. Review status: criteria provided, single submitter. Criteria: Invitae Variant Classification Sherloc (09022015). Collection method: clinical testing. Allele origin: germline.
Comment: Algorithms developed to predict the effect of sequence changes on RNA splicing suggest that this variant may disrupt the consensus splice site. For these reasons, this variant has been classified as Pathogenic. ClinVar contains an entry for this variant (Variation ID: 433321). This premature translational stop signal has been observed in individual(s) with pseudoxanthoma elasticum (PMID: 15086542). This variant is not present in population databases (gnomAD no frequency). This sequence change creates a premature translational stop signal (p.Trp1223*) in the ABCC6 gene. It is expected to result in an absent or disrupted protein product. Loss-of-function variants in ABCC6 are known to be pathogenic (PMID: 11536079, 17617515).

PXE International
Classification: Likely pathogenic for Autosomal recessive inherited pseudoxanthoma elasticum. Last evaluated: 2021-03-02. Review status: no assertion criteria provided. Collection method: research. Allele origin: germline. Inheritance: Autosomal recessive inheritance. Affected: yes. Not counted in ClinVar's aggregate classification.

Literature cited by the submitters: PubMed 15086542 (cited by Labcorp Genetics (formerly Invitae), Labcorp and PXE International); PubMed 11536079 (cited by Labcorp Genetics (formerly Invitae), Labcorp); PubMed 17617515 (cited by Labcorp Genetics (formerly Invitae), Labcorp).